The following is an entry in ClinVar:

NM_001374736.1(DST):c.16086G>C (p.Glu5362Asp)

Gene: DST (dystonin; minus strand). Cytogenetic location: 6p12.1.
Variant type: single nucleotide variant.
Coding change: c.16086G>C on transcript NM_001374736.1 (MANE Select); coding-DNA position 16086, G replaced by C.
Protein change: p.Glu5362Asp; replaces glutamic acid 5362 with aspartic acid.
Molecular consequence: missense variant.
Genome position (GRCh38, 1-based): chr6:56,552,706, C>G on the plus strand (G>C on the coding strand, the complement: DST is on the minus strand). VCF-style: chr6-56552706-C-G. GRCh37 (hg19) VCF-style: chr6-56417504-C-G.
Other names: c.9729G>C, p.Glu3243Asp (NM_001144769.5); c.9315G>C, p.Glu3105Asp (NM_001144770.2); c.16086G>C, p.Glu5362Asp (NM_001374722.1); c.15453G>C, p.Glu5151Asp (NM_001374729.1); c.9195G>C, p.Glu3065Asp (NM_001374730.1, NM_001386100.1, NM_183380.4); c.16113G>C, p.Glu5371Asp (NM_001374734.1); c.8217G>C, p.Glu2739Asp (NM_015548.5); short protein forms E2739D, E5151D, E5371D, E3065D, E3243D, E5362D, E3105D.
Identifiers: ClinVar variation 2952723 (VCV002952723.3), dbSNP rs1562738548, ClinGen allele CA364514408.
Genomic context (GRCh38, chr6:56,552,706, plus strand): 5'-CTGAAGCTTGGTTTCTAAGAAAGAACACTTTTCATCAACCTGCTGACTTAGTGTACTATG[C>G]TCTTGAGCTATGGTTTCCACTTGTAATAAAACATCAGAGGTTCCCTTTGAGTCTGAGGCC-3'
Protein context (NP_001361665.1, residues 5352-5372): VLLQVETIAQ[Glu5362Asp]HSTLSQQVDE

ClinVar aggregate classification (germline): Uncertain significance (1 of 4 stars; one submission).

Conditions:
Hereditary sensory and autonomic neuropathy type 6. Also called: HSAN VI; Neuropathy, hereditary sensory and autonomic, type VI. Identifiers: Orphanet 314381, MedGen C3539003, MONDO:0013839, OMIM 614653.
Epidermolysis bullosa simplex 3, localized or generalized intermediate, with BP230 deficiency (EBS3). Also called: Epidermolysis bullosa simplex, autosomal recessive 2; Epidermolysis bullosa simplex due to BP230 deficiency. Identifiers: Orphanet 412181, MedGen C3809470, MONDO:0014180, OMIM 615425.

gnomAD v4.1: 3 of 1,613,192 alleles (0.00019%); highest among the groups gnomAD compares: Non-Finnish European, 0.00025%; no homozygotes.

Submission:

Labcorp Genetics (formerly Invitae), Labcorp
Classification: Uncertain significance for Epidermolysis bullosa simplex 3, localized or generalized intermediate, with BP230 deficiency; Hereditary sensory and autonomic neuropathy type 6. Last evaluated: 2023-10-09. Review status: criteria provided, single submitter. Criteria: Invitae Variant Classification Sherloc (09022015). Collection method: clinical testing. Allele origin: germline.
Comment: The DST gene has multiple clinically relevant transcripts. This variant occurs in alternate transcript NM_015548.4, and corresponds to NM_001723.5:c.*62811G>C (Non-coding) in the primary transcript. This sequence change replaces glutamic acid, which is acidic and polar, with aspartic acid, which is acidic and polar, at codon 2739 of the DST protein (p.Glu2739Asp). This variant is not present in population databases (gnomAD no frequency). This variant has not been reported in the literature in individuals affected with DST-related conditions. Experimental studies and prediction algorithms are not available or were not evaluated, and the functional significance of this variant is currently unknown. In summary, the available evidence is currently insufficient to determine the role of this variant in disease. Therefore, it has been classified as a Variant of Uncertain Significance.